The following is an entry in ClinVar:

ClinVar aggregate classification (germline): Benign. Review status: criteria provided, multiple submitters, no conflicts (2 of 4 stars). 4 submissions from 4 submitters: Benign (3). 1 of the submissions does not count toward it. Last evaluated 2026-01-25.

Conditions:
SMC3-related disorder. Also called: SMC3-related condition.
Cornelia de Lange syndrome 3 (CDLS3). Also called: SMC3-Related Cornelia de Lange Syndrome; CORNELIA DE LANGE SYNDROME 3 WITH OR WITHOUT MIDLINE BRAIN DEFECTS. Identifiers: Orphanet 199, MedGen C1853099, MONDO:0012555, OMIM 610759.

Allele frequency attached by ClinVar (database versions not stated): TOPMed 0.00002; gnomAD 0.00003; 1000 Genomes Project 0.00060; 1000 Genomes Project 30x 0.00062.
gnomAD v4.1: 179 of 1,613,702 alleles (0.011%); highest among the groups gnomAD compares: South Asian, 0.18%; 1 homozygote.

Submissions (4):

Labcorp Genetics (formerly Invitae), Labcorp
Classification: Benign for Cornelia de Lange syndrome 3. Last evaluated: 2026-01-25. Review status: criteria provided, single submitter. Criteria: Invitae Variant Classification Sherloc (09022015). Collection method: clinical testing. Allele origin: germline.

CeGaT Center for Human Genetics Tuebingen
Classification: Benign. Last evaluated: 2022-10-01. Review status: criteria provided, single submitter. Criteria: CeGaT Center For Human Genetics Tuebingen Variant Classification Criteria Version 2. Collection method: clinical testing. Allele origin: germline. Affected: yes. Observed: 1 variant allele.
Comment: SMC3: BS1, BS2

Athena Diagnostics
Classification: Benign. Last evaluated: 2017-11-16. Review status: criteria provided, single submitter. Criteria: Athena Diagnostics Criteria. Collection method: clinical testing. Allele origin: germline.

PreventionGenetics, part of Exact Sciences
Classification: Likely benign for SMC3-related condition. Last evaluated: 2019-07-01. Review status: no assertion criteria provided. Collection method: clinical testing. Allele origin: germline. Not counted in ClinVar's aggregate classification.
Comment: This variant is classified as likely benign based on ACMG/AMP sequence variant interpretation guidelines (Richards et al. 2015 PMID: 25741868, with internal and published modifications).

NM_005445.4(SMC3):c.2982C>T (p.Ser994=)

Gene: SMC3 (structural maintenance of chromosomes 3; plus strand). Cytogenetic location: 10q25.2.
Variant type: single nucleotide variant.
Coding change: c.2982C>T on transcript NM_005445.4 (MANE Select); coding-DNA position 2982, C replaced by T.
Protein change: p.Ser994=; no amino-acid change (serine 994 retained).
Molecular consequence: synonymous variant.
Genome position (GRCh38, 1-based): chr10:110,602,055, C>T. VCF-style: chr10-110602055-C-T. GRCh37 (hg19) VCF-style: chr10-112361813-C-T.
Identifiers: ClinVar variation 586629 (VCV000586629.29), dbSNP rs201308737, ClinGen allele CA5688317.